The following is an entry in ClinVar:

NM_147127.5(EVC2):c.2654G>A (p.Arg885Gln)

Gene: EVC2 (EvC ciliary complex subunit 2; minus strand). Cytogenetic location: 4p16.2.
Variant type: single nucleotide variant.
Coding change: c.2654G>A on transcript NM_147127.5 (MANE Select); coding-DNA position 2654, G replaced by A.
Protein change: p.Arg885Gln; replaces arginine 885 with glutamine.
Molecular consequence: missense variant.
Genome position (GRCh38, 1-based): chr4:5,618,530, C>T on the plus strand (G>A on the coding strand, the complement: EVC2 is on the minus strand). VCF-style: chr4-5618530-C-T. GRCh37 (hg19) VCF-style: chr4-5620257-C-T.
Other names: c.2414G>A, p.Arg805Gln (NM_001166136.2); short protein forms R805Q, R885Q.
Identifiers: ClinVar variation 2141456 (VCV002141456.2), dbSNP rs201154245, ClinGen allele CA2834637.

ClinVar aggregate classification (germline): Uncertain significance (1 of 4 stars; one submission).

Conditions:
Curry-Hall syndrome (WAD). Also called: WEYERS ACRODENTAL DYSOSTOSIS. Identifiers: Orphanet 952, MedGen C0457013, MONDO:0008673, OMIM 193530.
Ellis-van Creveld syndrome (EVC). Also called: MESOECTODERMAL DYSPLASIA; EVC-Related Ellis-van Creveld Syndrome; EVC2-Related Ellis-van Creveld Syndrome; Chondroectodermal dysplasia. Identifiers: Orphanet 289, MedGen C0013903, MONDO:0009162, OMIM 225500.

Allele frequency attached by ClinVar (database versions not stated): gnomAD 0.00001; gnomAD exomes 0.00001; TOPMed 0.00001; ExAC 0.00003; 1000 Genomes Project 30x 0.00016; 1000 Genomes Project 0.00020.
gnomAD v4.1: 16 of 1,614,026 alleles (0.00099%); highest among the groups gnomAD compares: East Asian, 0.0089%; no homozygotes.

Submission:

Labcorp Genetics (formerly Invitae), Labcorp
Classification: Uncertain significance for Curry-Hall syndrome; Ellis-van Creveld syndrome. Last evaluated: 2024-01-09. Review status: criteria provided, single submitter. Criteria: Invitae Variant Classification Sherloc (09022015). Collection method: clinical testing. Allele origin: germline.
Comment: This sequence change replaces arginine, which is basic and polar, with glutamine, which is neutral and polar, at codon 885 of the EVC2 protein (p.Arg885Gln). This variant is present in population databases (rs201154245, gnomAD 0.01%). This variant has not been reported in the literature in individuals affected with EVC2-related conditions. ClinVar contains an entry for this variant (Variation ID: 2141456). An algorithm developed to predict the effect of missense changes on protein structure and function (PolyPhen-2) suggests that this variant is likely to be disruptive. In summary, the available evidence is currently insufficient to determine the role of this variant in disease. Therefore, it has been classified as a Variant of Uncertain Significance.